The following is an entry in ClinVar:

ClinVar aggregate classification (germline): Uncertain significance (1 of 4 stars; one submission).

Conditions:
Inborn genetic diseases. Identifiers: MedGen C0950123, MeSH D030342.

gnomAD v4.1: 1 of 1,614,114 alleles (0.000062%); highest among the groups gnomAD compares: Non-Finnish European, 0.000085%; no homozygotes.

Submission:

Ambry Genetics
Classification: Uncertain significance for Inborn genetic diseases. Last evaluated: 2026-06-20. Review status: criteria provided, single submitter. Criteria: Ambry Variant Classification Scheme 2023. Collection method: clinical testing. Allele origin: germline.
Comment: The p.N519I variant (also known as c.1556A>T), located in coding exon 11 of the BMPR2 gene, results from an A to T substitution at nucleotide position 1556. The asparagine at codon 519 is replaced by isoleucine, an amino acid with dissimilar properties. This amino acid position is conserved. In addition, this alteration is predicted to be deleterious by in silico analysis. Based on the available evidence, the clinical significance of this variant remains unclear.

NM_001204.7(BMPR2):c.1556A>T (p.Asn519Ile)

Gene: BMPR2 (bone morphogenetic protein receptor type 2; plus strand). Cytogenetic location: 2q33.2.
Variant type: single nucleotide variant.
Coding change: c.1556A>T on transcript NM_001204.7 (MANE Select); coding-DNA position 1556, A replaced by T.
Protein change: p.Asn519Ile; replaces asparagine 519 with isoleucine.
Molecular consequence: missense variant.
Genome position (GRCh38, 1-based): chr2:202,552,858, A>T. VCF-style: chr2-202552858-A-T. GRCh37 (hg19) VCF-style: chr2-203417581-A-T.
Other names: short protein forms N519I.
Identifiers: ClinVar variation 5033062 (VCV005033062.1).